The following is an entry in ClinVar:

NM_005120.3(MED12):c.553+12C>G

Gene: MED12 (mediator complex subunit 12; plus strand). Cytogenetic location: Xq13.1.
Variant type: single nucleotide variant.
Coding change: c.553+12C>G on transcript NM_005120.3 (MANE Select); 12 bases into the intron after coding-DNA position 553, C replaced by G.
Molecular consequence: intron variant.
Genome position (GRCh38, 1-based): chrX:71,120,182, C>G. VCF-style: chrX-71120182-C-G. GRCh37 (hg19) VCF-style: chrX-70340032-C-G.
Identifiers: ClinVar variation 515091 (VCV000515091.1), dbSNP rs1556334127, ClinGen allele CA658799786.
Genomic context (GRCh38, chrX:71,120,182, plus strand): 5'-GCAATCTCTGAGACCAAGGTTAAGAAGAGACATGTTGACCCTTTCATGGGTGAGTAACTC[C>G]TAACACCAGGTGTACTGCTGATGGCTTCAAGGAGTGATAGAGACACCCTTGGAACCATCC-3'

ClinVar aggregate classification (germline): Likely benign (1 of 4 stars; one submission).

Allele frequency attached by ClinVar (database versions not stated): TOPMed below 0.00001.

Submission:

GeneDx
Classification: Likely benign. Last evaluated: 2018-02-05. Review status: criteria provided, single submitter. Criteria: GeneDx Variant Classification (06012015). Collection method: clinical testing. Allele origin: germline. Affected: yes.
Comment: This variant is considered likely benign or benign based on one or more of the following criteria: it is a conservative change, it occurs at a poorly conserved position in the protein, it is predicted to be benign by multiple in silico algorithms, and/or has population frequency not consistent with disease.